The following is an entry in ClinVar:

NM_001197104.2(KMT2A):c.7516A>T (p.Met2506Leu)

Gene: KMT2A (lysine methyltransferase 2A; plus strand). Cytogenetic location: 11q23.3.
Variant type: single nucleotide variant.
Coding change: c.7516A>T on transcript NM_001197104.2 (MANE Select); coding-DNA position 7516, A replaced by T.
Protein change: p.Met2506Leu; replaces methionine 2506 with leucine.
Molecular consequence: missense variant.
Genome position (GRCh38, 1-based): chr11:118,503,408, A>T. VCF-style: chr11-118503408-A-T. GRCh37 (hg19) VCF-style: chr11-118374123-A-T.
Other names: c.7606A>T, p.Met2536Leu (NM_001412597.1); c.7507A>T, p.Met2503Leu (NM_005933.4); short protein forms M2503L, M2506L, M2536L.
Identifiers: ClinVar variation 3002204 (VCV003002204.5), dbSNP rs370745462, ClinGen allele CA6304405.

ClinVar aggregate classification (germline): Conflicting classifications of pathogenicity. Review status: criteria provided, conflicting classifications (1 of 4 stars). 3 submissions from 3 submitters: Uncertain significance (1); Likely benign (2). Last evaluated 2025-10-24.

Conditions:
Inborn genetic diseases. Identifiers: MedGen C0950123, MeSH D030342.

Allele frequency attached by ClinVar (database versions not stated): ESP Exome Variant Server 0.00008.
gnomAD v4.1: 4 of 1,614,010 alleles (0.00025%); highest among the groups gnomAD compares: African/African-American, 0.0053%; no homozygotes.

Submissions (3):

Ambry Genetics
Classification: Likely benign for Inborn genetic diseases. Last evaluated: 2025-10-24. Review status: criteria provided, single submitter. Criteria: Ambry Variant Classification Scheme 2023. Collection method: clinical testing. Allele origin: germline.

GeneDx
Classification: Likely benign. Last evaluated: 2024-10-24. Review status: criteria provided, single submitter. Criteria: GeneDx Variant Classification Process June 2021. Collection method: clinical testing. Allele origin: germline. Affected: yes.
Comment: See Variant Classification Assertion Criteria.

Labcorp Genetics (formerly Invitae), Labcorp
Classification: Uncertain significance. Last evaluated: 2023-01-13. Review status: criteria provided, single submitter. Criteria: Invitae Variant Classification Sherloc (09022015). Collection method: clinical testing. Allele origin: germline.
Comment: This sequence change replaces methionine, which is neutral and non-polar, with leucine, which is neutral and non-polar, at codon 2506 of the KMT2A protein (p.Met2506Leu). This variant is present in population databases (rs370745462, gnomAD 0.01%). This variant has not been reported in the literature in individuals affected with KMT2A-related conditions. Advanced modeling of protein sequence and biophysical properties (such as structural, functional, and spatial information, amino acid conservation, physicochemical variation, residue mobility, and thermodynamic stability) performed at Invitae indicates that this missense variant is not expected to disrupt KMT2A protein function. In summary, the available evidence is currently insufficient to determine the role of this variant in disease. Therefore, it has been classified as a Variant of Uncertain Significance.